The following is an entry in ClinVar:

NM_198999.3(SLC26A5):c.1061C>A (p.Thr354Asn)

Gene: SLC26A5 (solute carrier family 26 member 5; minus strand). Cytogenetic location: 7q22.1.
Variant type: single nucleotide variant.
Coding change: c.1061C>A on transcript NM_198999.3 (MANE Select); coding-DNA position 1061, C replaced by A.
Protein change: p.Thr354Asn; replaces threonine 354 with asparagine.
Molecular consequence: missense variant. On other transcripts: non-coding transcript variant (3), intron variant (1).
Genome position (GRCh38, 1-based): chr7:103,392,977, G>T on the plus strand (C>A on the coding strand, the complement: SLC26A5 is on the minus strand). VCF-style: chr7-103392977-G-T. GRCh37 (hg19) VCF-style: chr7-103033424-G-T.
Other names: c.1061C>A, p.Thr354Asn (NM_001167962.2, NM_001321787.2, NM_206883.3 and 1 more transcripts); c.971+4955C>A (NM_206885.3); short protein forms T354N.
Identifiers: ClinVar variation 1383757 (VCV001383757.9), dbSNP rs755628714, ClinGen allele CA4419626.

ClinVar aggregate classification (germline): Uncertain significance. Review status: criteria provided, multiple submitters, no conflicts (2 of 4 stars). 2 submissions from 2 submitters: Uncertain significance (2). Last evaluated 2022-03-02.

Conditions:
Autosomal recessive nonsyndromic hearing loss 61. Identifiers: Orphanet 90636, MedGen C3151230, MONDO:0013471, OMIM 613865.

Allele frequency attached by ClinVar (database versions not stated): gnomAD exomes below 0.00001 and 0.00002; ExAC 0.00001; gnomAD 0.00001.
gnomAD v4.1: 7 of 1,613,914 alleles (0.00043%); highest among the groups gnomAD compares: Admixed American, 0.01%; no homozygotes.

Submissions (2):

Labcorp Genetics (formerly Invitae), Labcorp
Classification: Uncertain significance. Last evaluated: 2022-03-02. Review status: criteria provided, single submitter. Criteria: Invitae Variant Classification Sherloc (09022015). Collection method: clinical testing. Allele origin: germline.
Comment: Advanced modeling of protein sequence and biophysical properties (such as structural, functional, and spatial information, amino acid conservation, physicochemical variation, residue mobility, and thermodynamic stability) performed at Invitae indicates that this missense variant is not expected to disrupt SLC26A5 protein function. In summary, the available evidence is currently insufficient to determine the role of this variant in disease. Therefore, it has been classified as a Variant of Uncertain Significance. This variant has not been reported in the literature in individuals affected with SLC26A5-related conditions. This variant is present in population databases (rs755628714, gnomAD 0.01%). This sequence change replaces threonine, which is neutral and polar, with asparagine, which is neutral and polar, at codon 354 of the SLC26A5 protein (p.Thr354Asn).

Fulgent Genetics
Classification: Uncertain significance for Autosomal recessive nonsyndromic hearing loss 61. Last evaluated: 2021-09-07. Review status: criteria provided, single submitter. Criteria: ACMG Guidelines, 2015. Collection method: clinical testing. Allele origin: unknown.